The following is an entry in ClinVar:

ClinVar aggregate classification (germline): Uncertain significance (1 of 4 stars; one submission).

Conditions:
Amyotrophic lateral sclerosis type 6. Also called: Amyotrophic lateral sclerosis 6, with or without frontotemporal dementia; FUS-Related Amyotrophic Laterial Sclerosis; AMYOTROPHIC LATERAL SCLEROSIS 6 WITHOUT FRONTOTEMPORAL DEMENTIA. Identifiers: Orphanet 275872, Orphanet 803, MedGen C2931786, MONDO:0011951, OMIM 608030.
Tremor, hereditary essential, 4 (ETM4). Identifiers: MedGen C3539195, MONDO:0013888, OMIM 614782.

Allele frequency attached by ClinVar (database versions not stated): gnomAD exomes below 0.00001; gnomAD 0.00001.
gnomAD v4.1: 5 of 1,614,140 alleles (0.00031%); highest among the groups gnomAD compares: Middle Eastern, 0.016%; no homozygotes.

Submission:

Labcorp Genetics (formerly Invitae), Labcorp
Classification: Uncertain significance for Tremor, hereditary essential, 4; Amyotrophic lateral sclerosis type 6. Last evaluated: 2021-12-30. Review status: criteria provided, single submitter. Criteria: Invitae Variant Classification Sherloc (09022015). Collection method: clinical testing. Allele origin: germline.
Comment: In summary, the available evidence is currently insufficient to determine the role of this variant in disease. Therefore, it has been classified as a Variant of Uncertain Significance. Algorithms developed to predict the effect of missense changes on protein structure and function are either unavailable or do not agree on the potential impact of this missense change (SIFT: "Deleterious"; PolyPhen-2: "Not Available"; Align-GVGD: "Class C0"). This variant has not been reported in the literature in individuals affected with FUS-related conditions. This variant is not present in population databases (gnomAD no frequency). This sequence change replaces serine, which is neutral and polar, with asparagine, which is neutral and polar, at codon 131 of the FUS protein (p.Ser131Asn).

NM_004960.4(FUS):c.392G>A (p.Ser131Asn)

Gene: FUS (FUS RNA binding protein; plus strand). Cytogenetic location: 16p11.2.
Variant type: single nucleotide variant.
Coding change: c.392G>A on transcript NM_004960.4 (MANE Select); coding-DNA position 392, G replaced by A.
Protein change: p.Ser131Asn; replaces serine 131 with asparagine.
Molecular consequence: missense variant. On other transcripts: non-coding transcript variant (1).
Genome position (GRCh38, 1-based): chr16:31,184,265, G>A. VCF-style: chr16-31184265-G-A. GRCh37 (hg19) VCF-style: chr16-31195586-G-A.
Other names: c.389G>A, p.Ser130Asn (NM_001170634.1); c.392G>A, p.Ser131Asn (NM_001170937.1); short protein forms S130N, S131N.
Identifiers: ClinVar variation 2162191 (VCV002162191.4), dbSNP rs2079225817, ClinGen allele CA395668540.